The following is an entry in ClinVar:

ClinVar aggregate classification (germline): Pathogenic/Likely pathogenic. Review status: criteria provided, multiple submitters, no conflicts (2 of 4 stars). 2 submissions from 2 submitters: Pathogenic (1); Likely pathogenic (1). Last evaluated 2025-07-26.

Conditions:
Charcot-Marie-Tooth disease, axonal, type 2EE. Also called: CHARCOT-MARIE-TOOTH NEUROPATHY, TYPE 2EE. Identifiers: MedGen C5193076, MONDO:0032728, OMIM 618400.

Allele frequency attached by ClinVar (database versions not stated): gnomAD exomes below 0.00001.

Submissions (2):

Labcorp Genetics (formerly Invitae), Labcorp
Classification: Pathogenic. Last evaluated: 2025-07-26. Review status: criteria provided, single submitter. Criteria: Invitae Variant Classification Sherloc (09022015). Collection method: clinical testing. Allele origin: germline.
Comment: This sequence change creates a premature translational stop signal (p.Asn119Glnfs*11) in the MPV17 gene. It is expected to result in an absent or disrupted protein product. Loss-of-function variants in MPV17 are known to be pathogenic (PMID: 23714749). This variant is not present in population databases (gnomAD no frequency). This variant has not been reported in the literature in individuals affected with MPV17-related conditions. ClinVar contains an entry for this variant (Variation ID: 2676675). For these reasons, this variant has been classified as Pathogenic.

Baylor Genetics
Classification: Likely pathogenic for Charcot-Marie-Tooth disease, axonal, type 2EE. Last evaluated: 2024-03-14. Review status: criteria provided, single submitter. Criteria: ACMG Guidelines, 2015. Collection method: clinical testing. Allele origin: unknown.

Literature cited by the submitters: PubMed 23714749 (cited by Labcorp Genetics (formerly Invitae), Labcorp).

NM_002437.5(MPV17):c.354dup (p.Asn119fs)

Gene: MPV17 (mitochondrial inner membrane protein MPV17; minus strand). Cytogenetic location: 2p23.3.
Variant type: Duplication.
Coding change: c.354dup on transcript NM_002437.5 (MANE Select); coding-DNA position 354, one base duplicated (C; older notation c.354dupC).
Protein change: p.Asn119fs; shifts the reading frame from asparagine 119.
Molecular consequence: frameshift variant.
Genome position (GRCh38, 1-based): chr2:27,312,515, G duplicated on the plus strand (C on the coding strand, the reverse complement: MPV17 is on the minus strand). VCF-style (leftmost placement, unchanged base first): chr2-27312514-T-TG. GRCh37 (hg19) VCF-style: chr2-27535381-T-TG.
Other names: short protein forms N119fs.
Identifiers: ClinVar variation 2676675 (VCV002676675.3), dbSNP rs2465681789, ClinGen allele CA2658326266.